The following is an entry in ClinVar:

ClinVar aggregate classification (germline): Uncertain significance. Review status: criteria provided, multiple submitters, no conflicts (2 of 4 stars). 2 submissions from 2 submitters: Uncertain significance (2). Last evaluated 2024-06-10.

gnomAD v4.1: 1 of 1,176,760 alleles (0.000085%); highest among the groups gnomAD compares: Non-Finnish European, 0.00011%; no homozygotes.

Submissions (2):

GeneDx
Classification: Uncertain significance. Last evaluated: 2024-06-10. Review status: criteria provided, single submitter. Criteria: GeneDx Variant Classification Process June 2021. Collection method: clinical testing. Allele origin: germline. Affected: yes.
Comment: Not observed at significant frequency in large population cohorts (gnomAD); In silico analysis indicates that this missense variant does not alter protein structure/function; Has not been previously published as pathogenic or benign to our knowledge

Labcorp Genetics (formerly Invitae), Labcorp
Classification: Uncertain significance. Last evaluated: 2024-03-12. Review status: criteria provided, single submitter. Criteria: Invitae Variant Classification Sherloc (09022015). Collection method: clinical testing. Allele origin: germline.
Comment: This sequence change replaces proline, which is neutral and non-polar, with arginine, which is basic and polar, at codon 1090 of the GRIN2D protein (p.Pro1090Arg). The frequency data for this variant in the population databases is considered unreliable, as metrics indicate insufficient coverage at this position in the gnomAD database. This variant has not been reported in the literature in individuals affected with GRIN2D-related conditions. Advanced modeling of protein sequence and biophysical properties (such as structural, functional, and spatial information, amino acid conservation, physicochemical variation, residue mobility, and thermodynamic stability) performed at Invitae indicates that this missense variant is not expected to disrupt GRIN2D protein function with a negative predictive value of 95%. In summary, the available evidence is currently insufficient to determine the role of this variant in disease. Therefore, it has been classified as a Variant of Uncertain Significance.

NM_000836.4(GRIN2D):c.3269C>G (p.Pro1090Arg)

Gene: GRIN2D (glutamate ionotropic receptor NMDA type subunit 2D; plus strand). Cytogenetic location: 19q13.33.
Variant type: single nucleotide variant.
Coding change: c.3269C>G on transcript NM_000836.4 (MANE Select); coding-DNA position 3269, C replaced by G.
Protein change: p.Pro1090Arg; replaces proline 1090 with arginine.
Molecular consequence: missense variant.
Genome position (GRCh38, 1-based): chr19:48,443,195, C>G. VCF-style: chr19-48443195-C-G. GRCh37 (hg19) VCF-style: chr19-48946452-C-G.
Other names: short protein forms P1090R.
Identifiers: ClinVar variation 3390727 (VCV003390727.3).